The following is an entry in ClinVar:

ClinVar aggregate classification (germline): Pathogenic. Review status: criteria provided, multiple submitters, no conflicts (2 of 4 stars). 3 submissions from 3 submitters: Pathogenic (2). 1 of the submissions does not count toward it. Last evaluated 2025-09-18.

Conditions:
Inherited breast cancer and ovarian cancer.
Hereditary breast ovarian cancer syndrome. Also called: Hereditary breast and ovarian cancer syndrome (HBOC); Breast and ovarian cancer; Hereditary breast and ovarian cancer syndrome; Hereditary breast and ovarian cancer; BRCA1- and BRCA2-Associated Hereditary Breast and Ovarian Cancer; Hereditary breast and/or ovarian cancer syndrome. Identifiers: Orphanet 145, MedGen C0677776, MeSH D061325, MONDO:0003582. Disease mechanism: loss of function.
Breast-ovarian cancer, familial, susceptibility to, 1 (BROVCA1). Also called: BRCA1 Hereditary Breast and Ovarian Cancer; OVARIAN CANCER, SUSCEPTIBILITY TO. Identifiers: Orphanet 145, MedGen C2676676, MONDO:0011450, OMIM 604370. Disease mechanism: loss of function.

Allele frequency attached by ClinVar (database versions not stated): gnomAD exomes below 0.00001.
gnomAD v4.1: 1 of 1,613,908 alleles (0.000062%); highest among the groups gnomAD compares: Non-Finnish European, 0.000085%; no homozygotes.

Submissions (3):

Genetics Laboratory, Great Ormond Street Hospital NHS Foundation Trust, North Thames Genomic Laboratory Hub
Classification: Pathogenic for Inherited breast cancer and ovarian cancer. Last evaluated: 2025-09-18. Review status: criteria provided, single submitter. Criteria: CanVIG BRCA Gene Specific V1.22. Collection method: clinical testing. Allele origin: germline. Affected: yes.
Comment: PM2_moderate, PVS1_very-strong

Consortium of Investigators of Modifiers of BRCA1/2 (CIMBA), c/o University of Cambridge
Classification: Pathogenic for Breast-ovarian cancer, familial, susceptibility to, 1. Last evaluated: 2015-10-02. Review status: criteria provided, single submitter. Criteria: CIMBA Mutation Classification guidelines May 2016. Collection method: clinical testing. Allele origin: germline.

Research Molecular Genetics Laboratory, Women's College Hospital, University of Toronto
Classification: Pathogenic for Hereditary breast ovarian cancer syndrome. Last evaluated: 2014-01-31. Review status: no assertion criteria provided. Collection method: research. Allele origin: germline. Affected: yes. Study: The Canadian Open Genetics Repository (COGR). Not counted in ClinVar's aggregate classification.

NM_007294.4(BRCA1):c.4675+2T>A

Gene: BRCA1 (BRCA1 DNA repair associated; minus strand). Cytogenetic location: 17q21.31.
Variant type: single nucleotide variant.
Coding change: c.4675+2T>A on transcript NM_007294.4 (MANE Select); the canonical splice donor site of the intron after coding-DNA position 4675, T replaced by A.
Molecular consequence: splice donor variant. On other transcripts: intron variant (3).
Genome position (GRCh38, 1-based): chr17:43,074,329, A>T on the plus strand (T>A on the coding strand, the complement: BRCA1 is on the minus strand). VCF-style: chr17-43074329-A-T. GRCh37 (hg19) VCF-style: chr17-41226346-A-T.
Other names: c.1291+2T>A (NM_001408410.1); c.4531+2T>A (NM_001407741.1, NM_001407747.1, NM_001407745.1 and 21 more transcripts); c.1285+2T>A (NM_001408415.1, NM_001408412.1, NM_001408413.1 and 2 more transcripts); c.1153+2T>A (NM_001408483.1, NM_001408485.1, NM_001408491.1 and 5 more transcripts); c.4669+2T>A (NM_001407634.1, NM_001407630.1, NM_001407633.1 and 14 more transcripts); c.4672+2T>A (NM_001407610.1, NM_001407621.1, NM_001407615.1 and 17 more transcripts); c.1240+2T>A (NM_001408442.1, NM_001408441.1, NM_001408437.1 and 10 more transcripts); c.1243+2T>A (NM_001408426.1, NM_001408429.1, NM_001408430.1 and 4 more transcripts); and 71 more.
Identifiers: ClinVar variation 267554 (VCV000267554.5), dbSNP rs879255293, ClinGen allele CA10592160.
Genomic context (GRCh38, chr17:43,074,329, plus strand): 5'-CTTTATGTAGGATTCAGAGTAAAATCAAAGTGTTTGTTCCAATACAGCAGATGAAATATT[A>T]CCTAGATCTTGCCTTGGCAAGTAAGATGTTTCCGTCAAATCGTGTGGCCCAGACTCTTCC-3'